The following is an entry in ClinVar:

NM_004387.4(NKX2-5):c.416_417delinsA (p.Arg139fs)

Gene: NKX2-5 (NK2 homeobox 5; minus strand). Cytogenetic location: 5q35.1.
Variant type: Indel.
Coding change: c.416_417delinsA on transcript NM_004387.4 (MANE Select); coding-DNA positions 416 to 417, GG replaced by A.
Protein change: p.Arg139fs; shifts the reading frame from arginine 139.
Molecular consequence: frameshift variant. On other transcripts: 3 prime UTR variant (2).
Genome position (GRCh38, 1-based): chr5:173,233,127-173,233,128, CC replaced by T on the plus strand (GG replaced by A on the coding strand, the reverse complement: NKX2-5 is on the minus strand). VCF-style: chr5-173233127-CC-T. GRCh37 (hg19) VCF-style: chr5-172660130-CC-T.
Other names: c.*369_*370delinsA (NM_001166175.2); c.*215_*216delinsA (NM_001166176.2); short protein forms R139fs.
Identifiers: ClinVar variation 4879819 (VCV004879819.1).

ClinVar aggregate classification (germline): Pathogenic (1 of 4 stars; one submission).

Conditions:
NKX2.5-related congenital, conduction and myopathic heart disease. Identifiers: MedGen CN372093, MONDO:0800441.

Submission:

Victorian Clinical Genetics Services, Murdoch Childrens Research Institute
Classification: Pathogenic for NKX2.5-related congenital, conduction and myopathic heart disease. Last evaluated: 2026-06-15. Review status: criteria provided, single submitter. Criteria: ACMG Guidelines, 2015. Collection method: clinical testing. Allele origin: germline. Affected: yes.
Comment: This variant is classified as Pathogenic. Evidence in support of pathogenic classification: Variant is predicted to result in a truncated protein (premature termination codon is NOT located at least 54 nucleotides upstream of the final exon-exon junction) with at least 1/3 of the protein sequence affected; Variant is absent from gnomAD (v4); Other truncating variant(s) comparable to the one identified in this case have very strong previous evidence for pathogenicity (DECIPHER). Additional information: This variant is heterozygous; This gene is associated with autosomal dominant disease; This variant has no previous evidence of pathogenicity; No published evidence of segregation with disease has been identified for this variant; No published functional evidence has been identified for this variant; Variant truncates the entire Homeodomain (DECIPHER); Loss of function is a known mechanism of disease in this gene and is associated with NKX2-5-related congenital, conduction and myopathic heart disease (MONDO:0800441).